The following is an entry in ClinVar:

ClinVar aggregate classification (germline): Uncertain significance. Review status: criteria provided, multiple submitters, no conflicts (2 of 4 stars). 3 submissions from 3 submitters: Uncertain significance (3). Last evaluated 2025-12-23.

gnomAD v4.1: 26 of 1,612,028 alleles (0.0016%); highest among the groups gnomAD compares: Admixed American, 0.0067%; no homozygotes.

Submissions (3):

Labcorp Genetics (formerly Invitae), Labcorp
Classification: Uncertain significance. Last evaluated: 2025-12-23. Review status: criteria provided, single submitter. Criteria: Invitae Variant Classification Sherloc (09022015). Collection method: clinical testing. Allele origin: germline.
Comment: This sequence change replaces threonine, which is neutral and polar, with methionine, which is neutral and non-polar, at codon 159 of the FGF8 protein (p.Thr159Met). This variant is present in population databases (rs150575389, gnomAD 0.007%). This variant has not been reported in the literature in individuals affected with FGF8-related conditions. ClinVar contains an entry for this variant (Variation ID: 3680833). An algorithm developed to predict the effect of missense changes on protein structure and function (PolyPhen-2) suggests that this variant is likely to be disruptive. In summary, the available evidence is currently insufficient to determine the role of this variant in disease. Therefore, it has been classified as a Variant of Uncertain Significance.

Women's Health and Genetics/Laboratory Corporation of America, LabCorp
Classification: Uncertain significance. Last evaluated: 2025-12-04. Review status: criteria provided, single submitter. Criteria: LabCorp Variant Classification Summary - May 2015. Collection method: clinical testing. Allele origin: germline.
Comment: Variant summary: FGF8 c.476C>T (p.Thr159Met) results in a non-conservative amino acid change in the encoded protein sequence. Algorithms developed to predict the effect of missense changes on protein structure and function all suggest that this variant is likely to be disruptive. The variant allele was found at a frequency of 2e-05 in 249974 control chromosomes (gnomAD). The available data on variant occurrences in the general population are insufficient to allow any conclusion about variant significance. The variant, c.476C>T, has been observed in heterozygous state in a proband diagnosed with normosmic hypogonadotropic hypogonadism, and in the father, who had puberty tarda but had children without any therapy (Ciftci_2023). These data do not allow clear conclusions about variant significance, although variable phenotypic expressivity within family members carrying the same FGF8 variant has been reported (e.g. PMID 18596921). To our knowledge, no experimental evidence demonstrating an impact on protein function has been reported. The following publication has been ascertained in the context of this evaluation (PMID: 36700485). ClinVar contains an entry for this variant (Variation ID: 3680833). Based on the evidence outlined above, the variant was classified as uncertain significance.

Dasa
Classification: Uncertain significance. Last evaluated: 2025-10-20. Review status: criteria provided, single submitter. Criteria: DASA Assertion Criteria. Collection method: clinical testing. Allele origin: germline.
Comment: NM_033163.5(FGF8):c.476C>T (p.Thr159Met) is a missense variant that results in the substitution of threonine with methionine. This variant is rare in population databases. The currently available literature and clinical evidence are not sufficient to establish a definitive association between this variant and the reported condition. Therefore, this variant is classified as a variant of uncertain significance.

Literature cited by the submitters: PubMed 36700485 (cited by Women's Health and Genetics/Laboratory Corporation of America, LabCorp).

NM_033163.5(FGF8):c.476C>T (p.Thr159Met)

Gene: FGF8 (fibroblast growth factor 8; minus strand). Cytogenetic location: 10q24.32.
Variant type: single nucleotide variant.
Coding change: c.476C>T on transcript NM_033163.5 (MANE Select); coding-DNA position 476, C replaced by T.
Protein change: p.Thr159Met; replaces threonine 159 with methionine.
Molecular consequence: missense variant.
Genome position (GRCh38, 1-based): chr10:101,770,588, G>A on the plus strand (C>T on the coding strand, the complement: FGF8 is on the minus strand). VCF-style: chr10-101770588-G-A. GRCh37 (hg19) VCF-style: chr10-103530345-G-A.
Other names: c.164C>T, p.Thr55Met (NM_001206389.2); c.389C>T, p.Thr130Met (NM_006119.6); c.443C>T, p.Thr148Met (NM_033164.4); c.356C>T, p.Thr119Met (NM_033165.5); short protein forms T119M, T148M, T55M, T130M, T159M.
Identifiers: ClinVar variation 3680833 (VCV003680833.5).